The following is an entry in ClinVar:

NM_152564.5(VPS13B):c.408_409insGGATCTGTTA (p.Pro137fs)

Gene: VPS13B (vacuolar protein sorting 13 homolog B; plus strand). Cytogenetic location: 8q22.2.
Variant type: Insertion.
Coding change: c.408_409insGGATCTGTTA on transcript NM_152564.5 (MANE Select); coding-DNA positions 408 to 409, GGATCTGTTA inserted.
Protein change: p.Pro137fs; shifts the reading frame from proline 137.
Molecular consequence: frameshift variant. On other transcripts: non-coding transcript variant (1).
Genome position: GRCh38 VCF-style: chr8-99096427-C-CAGGATCTGTT. GRCh37 (hg19) VCF-style: chr8-100108655-C-CAGGATCTGTT.
Other names: c.408_409insGGATCTGTTA, p.Pro137fs (NM_015243.3, NM_017890.5, NM_181661.3); short protein forms P137fs.
Identifiers: ClinVar variation 5004439 (VCV005004439.1).
Genomic context (GRCh38, chr8:99,096,427, plus strand): 5'-CAAAATCATCAATCAAACCGCGGAGAATGCAGCAGGCTGCTCCTACAGATCCTGACTTAC[C>CAGGATCTGTT]ACCAGGTAACTTCTAATGGGATCAATAAAACCAAATTTCAATTTTTGGCCGGGCATGGTG-3'

ClinVar aggregate classification (germline): Pathogenic (1 of 4 stars; one submission).

Conditions:
Cohen syndrome (COH1). Also called: PEPPER SYNDROME; Cutis verticis gyrata, retinitis pigmentosa, and sensorineural deafness. Identifiers: Orphanet 193, MedGen C0265223, MONDO:0008999, OMIM 216550.

Submission:

Myriad Genetics, Inc.
Classification: Pathogenic for Cohen syndrome. Last evaluated: 2026-01-30. Review status: criteria provided, single submitter. Criteria: Myriad Autosomal Dominant, Autosomal Recessive and X-Linked Classification Criteria (2023). Collection method: clinical testing. Allele origin: unknown.
Comment: NM_017890.4(VPS13B):c.408_409ins10(P137Gfs*12) is a frameshift variant classified as pathogenic in the context of Cohen syndrome. P137Gfs*12 has not been observed in cases with relevant disease. Relevant functional assessments of this variant are not available in the literature. P137Gfs*12 has not been observed in referenced population frequency databases. In summary, NM_017890.4(VPS13B):c.408_409ins10(P137Gfs*12) is a frameshift variant in a gene where loss of function is a known mechanism of disease and is predicted to disrupt protein function. Please note: this variant was assessed in the context of healthy population screening.